The following is an entry in ClinVar:

NM_006118.4(HAX1):c.55C>T (p.His19Tyr)

Gene: HAX1 (HCLS1 associated protein X-1; plus strand). Cytogenetic location: 1q21.3.
Variant type: single nucleotide variant.
Coding change: c.55C>T on transcript NM_006118.4 (MANE Select); coding-DNA position 55, C replaced by T.
Protein change: p.His19Tyr; replaces histidine 19 with tyrosine.
Molecular consequence: missense variant. On other transcripts: intron variant (1).
Genome position (GRCh38, 1-based): chr1:154,273,337, C>T. VCF-style: chr1-154273337-C-T. GRCh37 (hg19) VCF-style: chr1-154245813-C-T.
Other names: c.54-143C>T (NM_001018837.2); short protein forms H19Y.
Identifiers: ClinVar variation 4858266 (VCV004858266.1).

ClinVar aggregate classification (germline): Uncertain significance (1 of 4 stars; one submission).

Conditions:
Inborn genetic diseases. Identifiers: MedGen C0950123, MeSH D030342.

Submission:

Ambry Genetics
Classification: Uncertain significance for Inborn genetic diseases. Last evaluated: 2026-04-10. Review status: criteria provided, single submitter. Criteria: Ambry Variant Classification Scheme 2023. Collection method: clinical testing. Allele origin: germline.
Comment: The p.H19Y variant (also known as c.55C>T), located in coding exon 2 of the HAX1 gene, results from a C to T substitution at nucleotide position 55. The histidine at codon 19 is replaced by tyrosine, an amino acid with similar properties. This amino acid position is conserved. In addition, this alteration is predicted to be tolerated by in silico analysis. Based on the available evidence, the clinical significance of this variant remains unclear.